The following is an entry in ClinVar:

NM_001204.7(BMPR2):c.247+5G>A

Gene: BMPR2 (bone morphogenetic protein receptor type 2; plus strand). Cytogenetic location: 2q33.1.
Variant type: single nucleotide variant.
Coding change: c.247+5G>A on transcript NM_001204.7 (MANE Select); 5 bases into the intron after coding-DNA position 247, G replaced by A.
Molecular consequence: intron variant.
Genome position (GRCh38, 1-based): chr2:202,464,984, G>A. VCF-style: chr2-202464984-G-A. GRCh37 (hg19) VCF-style: chr2-203329707-G-A.
Other names: NM_001204.7:c.247+5G>A.
Identifiers: ClinVar variation 4850068 (VCV004850068.1).
Genomic context (GRCh38, chr2:202,464,984, plus strand): 5'-CACCTGCTATGGCCTTTGGGAGAAATCAAAAGGGGACATAAATCTTGTAAAACAAGGCAA[G>A]TGATACTTTCCTTACCTGAAATGACTGTGTTTTATACAATTGATATTTATCTAAAAAGGA-3'

ClinVar aggregate classification (germline): Likely pathogenic (3 of 4 stars; one submission).

Conditions:
Pulmonary arterial hypertension. Identifiers: Orphanet 182090, MedGen C2973725, MeSH D000081029, MONDO:0015924, HP:0002092.

Submission:

Clingen Pulmonary Hypertension Variant Curation Expert Panel, ClinGen
Classification: Likely pathogenic for Pulmonary arterial hypertension. Last evaluated: 2026-05-08. Review status: reviewed by expert panel. Criteria: ClinGen PH ACMG Specifications BMPR2 V2.0.0. Collection method: curation. Allele origin: germline. Inheritance: Autosomal dominant inheritance.
Comment: BMPR2 c.247+5G>A is an intronic variant located at the +5 position of intron 2. The variant is absent from gnomAD v4.1.0 (PM2_supporting). This variant was reported for one individual with hereditary pulmonary arterial hypertension (PMID: 35346192) (1 known affected PAH proband, PS4 not met). Despite being located outside the canonical splice donor site, the variant was shown to lead to a partial loss of exon 2. Two alternative splice sites were used. The first cryptic donor site was located 60 base pairs upstream and led to the loss of amino acids 63-82 (r.189_247del). The second cryptic splice site was located 108 base pairs upstream and led to the loss of amino acids 47-82 (r.141_247del) (PMID: 35346192). Both alternative transcripts resulted in a partial loss of the functionally critical extracellular domain of the BMPR2 receptor, which is located at amino acids 33-131 (PVS1_strong(RNA)). Of note, a variant at c.247+6T>G was reported to also result in the loss of the splice donor site (PubMed ID16728714) and classified as likely pathogenic by the PH VCEP (PS1_supporting). PP1, PS2, PM6 were not assessed due to absence of co-segregation data. In summary, this variant meets the criteria to be classified as likely pathogenic for pulmonary arterial hypertension based on the ACMG/AMP criteria applied, as specified by the ClinGen Pulmonary Hypertension VCEP: PVS1_strong(RNA), PS1_supporting, PM2_supporting (VCEP specification version 2.0, 1/30/2026).